The following is an entry in ClinVar:

NM_001182.5(ALDH7A1):c.1060T>C (p.Tyr354His)

Gene: ALDH7A1 (aldehyde dehydrogenase 7 family member A1; minus strand). Cytogenetic location: 5q23.2.
Variant type: single nucleotide variant.
Coding change: c.1060T>C on transcript NM_001182.5 (MANE Select); coding-DNA position 1060, T replaced by C.
Protein change: p.Tyr354His; replaces tyrosine 354 with histidine.
Molecular consequence: missense variant. On other transcripts: intron variant (1).
Genome position (GRCh38, 1-based): chr5:126,555,964, A>G on the plus strand (T>C on the coding strand, the complement: ALDH7A1 is on the minus strand). VCF-style: chr5-126555964-A-G. GRCh37 (hg19) VCF-style: chr5-125891656-A-G.
Other names: c.976T>C, p.Tyr326His (NM_001201377.2); c.1008+3276T>C (NM_001202404.2); short protein forms Y354H, Y326H.
Identifiers: ClinVar variation 3907044 (VCV003907044.2).

ClinVar aggregate classification (germline): Conflicting classifications of pathogenicity. Review status: criteria provided, conflicting classifications (1 of 4 stars). 2 submissions from 2 submitters: Likely pathogenic (1); Uncertain significance (1). Last evaluated 2025-06-17.

Conditions:
Pyridoxine-dependent epilepsy (EPEO4). Also called: EPILEPSY, EARLY-ONSET, 4, VITAMIN B6-DEPENDENT; PYRIDOXINE DEPENDENCY WITH SEIZURES; Pyridoxine-Dependent Seizures; Pyridoxine-Dependent Epilepsy - ALDH7A1. Identifiers: Orphanet 3006, MedGen C1849508, MONDO:0009945, OMIM 266100. Disease mechanism: loss of function.

Submissions (2):

Women's Health and Genetics/Laboratory Corporation of America, LabCorp
Classification: Uncertain significance. Last evaluated: 2025-06-17. Review status: criteria provided, single submitter. Criteria: LabCorp Variant Classification Summary - May 2015. Collection method: clinical testing. Allele origin: germline.
Comment: Variant summary: ALDH7A1 c.1060T>C (p.Tyr354His) results in a conservative amino acid change in the encoded protein sequence. Algorithms developed to predict the effect of missense changes on protein structure and function are either unavailable or do not agree on the potential impact of this missense change. The variant was absent in 251394 control chromosomes (gnomAD). The available data on variant occurrences in the general population are insufficient to allow any conclusion about variant significance. To our knowledge, no occurrence of c.1060T>C in individuals affected with Pyridoxine-Dependent Epilepsy and no experimental evidence demonstrating its impact on protein function have been reported. A different variant affecting the same codon has been classified as pathogenic by our lab (c.1061A>G, p.Tyr354Cys), supporting the critical relevance of codon 354 to ALDH7A1 protein function. No submitters have cited clinical-significance assessments for this variant to ClinVar. Based on the evidence outlined above, the variant was classified as uncertain significance.

Labcorp Genetics (formerly Invitae), Labcorp
Classification: Likely pathogenic for Pyridoxine-dependent epilepsy. Last evaluated: 2025-03-19. Review status: criteria provided, single submitter. Criteria: Invitae Variant Classification Sherloc (09022015). Collection method: clinical testing. Allele origin: germline.
Comment: This sequence change replaces tyrosine, which is neutral and polar, with histidine, which is basic and polar, at codon 354 of the ALDH7A1 protein (p.Tyr354His). This variant is not present in population databases (gnomAD no frequency). This variant has not been reported in the literature in individuals affected with ALDH7A1-related conditions. Invitae Evidence Modeling of protein sequence and biophysical properties (such as structural, functional, and spatial information, amino acid conservation, physicochemical variation, residue mobility, and thermodynamic stability) indicates that this missense variant is expected to disrupt ALDH7A1 protein function with a positive predictive value of 95%. This variant disrupts the p.Tyr354 amino acid residue in ALDH7A1. Other variant(s) that disrupt this residue have been determined to be pathogenic (PMID: 22371912, 31737911). This suggests that this residue is clinically significant, and that variants that disrupt this residue are likely to be disease-causing. In summary, the currently available evidence indicates that the variant is pathogenic, but additional data are needed to prove that conclusively. Therefore, this variant has been classified as Likely Pathogenic.

Literature cited by the submitters: PubMed 22371912 (cited by Labcorp Genetics (formerly Invitae), Labcorp); PubMed 31737911 (cited by Labcorp Genetics (formerly Invitae), Labcorp).